The following is an entry in ClinVar:

NM_021975.4(RELA):c.1120A>G (p.Ser374Gly)

Gene: RELA (RELA proto-oncogene, NF-kB subunit; minus strand). Cytogenetic location: 11q13.1.
Variant type: single nucleotide variant.
Coding change: c.1120A>G on transcript NM_021975.4 (MANE Select); coding-DNA position 1120, A replaced by G.
Protein change: p.Ser374Gly; replaces serine 374 with glycine.
Molecular consequence: missense variant. On other transcripts: intron variant (1).
Genome position (GRCh38, 1-based): chr11:65,654,914, T>C on the plus strand (A>G on the coding strand, the complement: RELA is on the minus strand). VCF-style: chr11-65654914-T-C. GRCh37 (hg19) VCF-style: chr11-65422385-T-C.
Other names: c.739A>G, p.Ser247Gly (NM_001404661.1); c.1027A>G, p.Ser343Gly (NM_001404662.1, NM_001404663.1); c.1034-121A>G (NM_001243984.2); c.1111A>G, p.Ser371Gly (NM_001145138.2); c.1120A>G, p.Ser374Gly (NM_001243985.2); c.1153A>G, p.Ser385Gly (NM_001404657.1); c.1093A>G, p.Ser365Gly (NM_001404658.1); c.907A>G, p.Ser303Gly (NM_001404659.1); and 1 more; short protein forms S268G, S371G, S343G, S247G, S303G, S374G, S365G, S385G.
Identifiers: ClinVar variation 3646669 (VCV003646669.2).

ClinVar aggregate classification (germline): Uncertain significance (1 of 4 stars; one submission).

Submission:

Labcorp Genetics (formerly Invitae), Labcorp
Classification: Uncertain significance. Last evaluated: 2024-03-18. Review status: criteria provided, single submitter. Criteria: Invitae Variant Classification Sherloc (09022015). Collection method: clinical testing. Allele origin: germline.
Comment: This sequence change replaces serine, which is neutral and polar, with glycine, which is neutral and non-polar, at codon 374 of the RELA protein (p.Ser374Gly). This variant is not present in population databases (gnomAD no frequency). This variant has not been reported in the literature in individuals affected with RELA-related conditions. An algorithm developed to predict the effect of missense changes on protein structure and function (PolyPhen-2) suggests that this variant is likely to be tolerated. In summary, the available evidence is currently insufficient to determine the role of this variant in disease. Therefore, it has been classified as a Variant of Uncertain Significance.